The following is an entry in ClinVar:

NM_000059.4(BRCA2):c.7933A>T (p.Arg2645Ter)

Gene: BRCA2 (BRCA2 DNA repair associated; plus strand). Cytogenetic location: 13q13.1.
Variant type: single nucleotide variant.
Coding change: c.7933A>T on transcript NM_000059.4 (MANE Select); coding-DNA position 7933, A replaced by T.
Protein change: p.Arg2645Ter; replaces arginine 2645 with a stop codon.
Molecular consequence: nonsense.
Genome position (GRCh38, 1-based): chr13:32,362,650, A>T. VCF-style: chr13-32362650-A-T. GRCh37 (hg19) VCF-style: chr13-32936787-A-T.
Other names: 8161A>T; short protein forms R2645*.
Identifiers: ClinVar variation 267043 (VCV000267043.6), dbSNP rs876658889, ClinGen allele CA10589458.
Genomic context (GRCh38, chr13:32,362,650, plus strand): 5'-AGATGGATCATATGGAAACTGGCAGCTATGGAATGTGCCTTTCCTAAGGAATTTGCTAAT[A>T]GATGCCTAAGCCCAGAAAGGGTGCTTCTTCAACTAAAATACAGGCAAGTTTAAAGCATTA-3'

ClinVar aggregate classification (germline): Pathogenic. Review status: reviewed by expert panel (3 of 4 stars). 3 submissions from 3 submitters: Pathogenic (1). 2 of the submissions do not count toward it. Last evaluated 2016-10-18.

Conditions:
BRCA2-related disorder. Also called: BRCA2-related condition; BRCA2-related disorders. Identifiers: MedGen CN239275.
Breast-ovarian cancer, familial, susceptibility to, 2 (BROVCA2). Also called: BRCA2 Hereditary Breast and Ovarian Cancer. Identifiers: Orphanet 145, MedGen C2675520, MONDO:0012933, OMIM 612555. Disease mechanism: loss of function.

gnomAD v4.1: 2 of 1,614,222 alleles (0.00012%); highest among the groups gnomAD compares: Non-Finnish European, 0.00017%; no homozygotes.

Submissions (3):

Evidence-based Network for the Interpretation of Germline Mutant Alleles (ENIGMA)
Classification: Pathogenic for Breast-ovarian cancer, familial, susceptibility to, 2. Last evaluated: 2016-10-18. Review status: reviewed by expert panel. Criteria: ENIGMA BRCA1/2 Classification Criteria (2015). Collection method: curation. Allele origin: germline.
Comment: Variant allele predicted to encode a truncated non-functional protein.

Blueprint Genetics
Classification: Pathogenic for BRCA2-related disorders. Last evaluated: 2021-04-22. Review status: criteria provided, single submitter. Criteria: ACMG Guidelines, 2015. Collection method: clinical testing. Allele origin: germline. Affected: yes. Observed: 1 variant allele. Not counted in ClinVar's aggregate classification.

Consortium of Investigators of Modifiers of BRCA1/2 (CIMBA), c/o University of Cambridge
Classification: Pathogenic for Breast-ovarian cancer, familial, susceptibility to, 2. Last evaluated: 2015-10-02. Review status: criteria provided, single submitter. Criteria: CIMBA Mutation Classification guidelines May 2016. Collection method: clinical testing. Allele origin: germline. Not counted in ClinVar's aggregate classification.